The following is an entry in ClinVar:

NM_003982.4(SLC7A7):c.60G>C (p.Leu20Phe)

Genes: SLC7A7 (solute carrier family 7 member 7; minus strand), LOC130055323 (ATAC-STARR-seq lymphoblastoid silent region 5589; plus strand). Cytogenetic location: 14q11.2.
Variant type: single nucleotide variant.
Coding change: c.60G>C on transcript NM_003982.4 (MANE Select); coding-DNA position 60, G replaced by C.
Protein change: p.Leu20Phe; replaces leucine 20 with phenylalanine.
Molecular consequence: missense variant.
Genome position (GRCh38, 1-based): chr14:22,813,339, C>G on the plus strand (G>C on the coding strand, the complement: SLC7A7 is on the minus strand). VCF-style: chr14-22813339-C-G. GRCh37 (hg19) VCF-style: chr14-23282548-C-G.
Other names: c.60G>C, p.Leu20Phe (NM_001126105.3, NM_001126106.4); short protein forms L20F.
Identifiers: ClinVar variation 4700633 (VCV004700633.1).

ClinVar aggregate classification (germline): Uncertain significance (1 of 4 stars; one submission).

Conditions:
Lysinuric protein intolerance (LPI). Identifiers: Orphanet 470, MedGen C0268647, MONDO:0009109, OMIM 222700.

gnomAD v4.1: 4 of 1,614,112 alleles (0.00025%); highest among the groups gnomAD compares: Non-Finnish European, 0.00034%; no homozygotes.

Submission:

Labcorp Genetics (formerly Invitae), Labcorp
Classification: Uncertain significance for Lysinuric protein intolerance. Last evaluated: 2025-02-28. Review status: criteria provided, single submitter. Criteria: Invitae Variant Classification Sherloc (09022015). Collection method: clinical testing. Allele origin: germline.
Comment: This sequence change replaces leucine, which is neutral and non-polar, with phenylalanine, which is neutral and non-polar, at codon 20 of the SLC7A7 protein (p.Leu20Phe). This variant is not present in population databases (gnomAD no frequency). This variant has not been reported in the literature in individuals affected with SLC7A7-related conditions. An algorithm developed to predict the effect of missense changes on protein structure and function (PolyPhen-2) suggests that this variant is likely to be tolerated. In summary, the available evidence is currently insufficient to determine the role of this variant in disease. Therefore, it has been classified as a Variant of Uncertain Significance.